The following is an entry in ClinVar:

NM_016203.4(PRKAG2):c.455G>T (p.Arg152Leu)

Gene: PRKAG2 (protein kinase AMP-activated non-catalytic subunit gamma 2; minus strand). Cytogenetic location: 7q36.1.
Variant type: single nucleotide variant.
Coding change: c.455G>T on transcript NM_016203.4 (MANE Select); coding-DNA position 455, G replaced by T.
Protein change: p.Arg152Leu; replaces arginine 152 with leucine.
Molecular consequence: missense variant. On other transcripts: intron variant (1).
Genome position (GRCh38, 1-based): chr7:151,781,163, C>A on the plus strand (G>T on the coding strand, the complement: PRKAG2 is on the minus strand). VCF-style: chr7-151781163-C-A. GRCh37 (hg19) VCF-style: chr7-151478249-C-A.
Other names: c.323G>T, p.Arg108Leu (NM_001040633.2, NM_001407024.1, NM_001407026.1 and 2 more transcripts); c.455G>T, p.Arg152Leu (NM_001407021.1, NM_001407022.1, NM_001407023.1 and 2 more transcripts); c.148+33253G>T (NM_001407032.1); short protein forms R108L, R152L.
Identifiers: ClinVar variation 3387538 (VCV003387538.1).

ClinVar aggregate classification (germline): Uncertain significance (1 of 4 stars; one submission).

Conditions:
Hypertrophic cardiomyopathy. Also called: HYPERTROPHIC MYOCARDIOPATHY. Identifiers: Orphanet 217569, MedGen C0007194, MeSH D002312, MONDO:0005045, HP:0001639.

gnomAD v4.1: 1 of 1,613,824 alleles (0.000062%); highest among the groups gnomAD compares: Non-Finnish European, 0.000085%; no homozygotes.

Submission:

All of Us Research Program, National Institutes of Health
Classification: Uncertain significance for Hypertrophic cardiomyopathy. Last evaluated: 2024-05-30. Review status: criteria provided, single submitter. Criteria: ACMG Guidelines, 2015. Collection method: clinical testing. Allele origin: germline. Inheritance: Autosomal dominant inheritance. Observed: 1 variant allele, 1 heterozygote.
Comment: This missense variant replaces arginine with leucine at codon 152 of the PRKAG2 protein. Computational prediction is inconclusive regarding the impact of this variant on protein structure and function (internally defined REVEL score threshold 0.5 < inconclusive < 0.7, PMID: 27666373). To our knowledge, functional studies have not been reported for this variant. This variant has not been reported in individuals affected with PRKAG2-related disorders in the literature. This variant has not been identified in the general population by the Genome Aggregation Database (gnomAD). The available evidence is insufficient to determine the role of this variant in disease conclusively. Therefore, this variant is classified as a Variant of Uncertain Significance.

This study involves interpretation of variants in research participants for the purpose of population health screening. Participant phenotype was not available at the time of variant classification. Additional details can be found in publication PMID: 35346344, PMCID: PMC8962531